The following is an entry in ClinVar:

NM_033305.3(VPS13A):c.3356G>A (p.Gly1119Glu)

Gene: VPS13A (vacuolar protein sorting 13 homolog A; plus strand). Cytogenetic location: 9q21.2.
Variant type: single nucleotide variant.
Coding change: c.3356G>A on transcript NM_033305.3 (MANE Select); coding-DNA position 3356, G replaced by A.
Protein change: p.Gly1119Glu; replaces glycine 1119 with glutamic acid.
Molecular consequence: missense variant.
Genome position (GRCh38, 1-based): chr9:77,293,357, G>A. VCF-style: chr9-77293357-G-A. GRCh37 (hg19) VCF-style: chr9-79908273-G-A.
Other names: p.Gly1119Glu; c.3239G>A, p.Gly1080Glu (NM_001018037.2); c.3356G>A, p.Gly1119Glu (NM_001018038.3, NM_015186.4); short protein forms G1119E, G1080E.
Identifiers: ClinVar variation 586929 (VCV000586929.52), dbSNP rs144358567, ClinGen allele CA5092237.

ClinVar aggregate classification (germline): Benign/Likely benign. Review status: criteria provided, multiple submitters, no conflicts (2 of 4 stars). 10 submissions from 10 submitters: Benign (5); Likely benign (4). 1 of the submissions does not count toward it. Last evaluated 2026-01-29.

Conditions:
VPS13A-related neurodegenerative disease. Also called: LEVINE-CRITCHLEY SYNDROME; Choreoacanthocytosis; Chorea-acanthocytosis; VPS13A Disease; Choreaacanthocytosis; ACANTHOCYTOSIS WITH NEUROLOGIC DISORDER. Identifiers: Orphanet 2388, MedGen C0393576, MONDO:0008695, OMIM 200150.

Allele frequency attached by ClinVar (database versions not stated): 1000 Genomes Project 30x 0.00094; 1000 Genomes Project 0.00100; gnomAD 0.00207 and 0.00212; TOPMed 0.00242; gnomAD exomes 0.00249 and 0.00310; ESP Exome Variant Server 0.00300; ExAC 0.00303.
gnomAD v4.1: 4,048 of 1,612,310 alleles (0.25%); highest among the groups gnomAD compares: Middle Eastern, 0.97%; 26 homozygotes.

Submissions (10):

Labcorp Genetics (formerly Invitae), Labcorp
Classification: Benign. Last evaluated: 2026-01-29. Review status: criteria provided, single submitter. Criteria: Invitae Variant Classification Sherloc (09022015). Collection method: clinical testing. Allele origin: germline.

CeGaT Center for Human Genetics Tuebingen
Classification: Likely benign. Last evaluated: 2025-10-01. Review status: criteria provided, single submitter. Criteria: CeGaT Center For Human Genetics Tuebingen Variant Classification Criteria Version 2. Collection method: clinical testing. Allele origin: germline. Affected: yes. Observed: 10 variant alleles.
Comment: VPS13A: BS2

Genomic Medicine Center of Excellence, King Faisal Specialist Hospital and Research Centre
Classification: Likely benign. Last evaluated: 2025-08-18. Review status: criteria provided, single submitter. Criteria: ACMG Guidelines, 2015. Collection method: clinical testing. Allele origin: germline.

Athena Diagnostics
Classification: Benign. Last evaluated: 2024-11-13. Review status: criteria provided, single submitter. Criteria: Athena Diagnostics Criteria. Collection method: clinical testing. Allele origin: unknown.

Mayo Clinic Laboratories, Mayo Clinic
Classification: Benign. Last evaluated: 2023-05-26. Review status: criteria provided, single submitter. Criteria: ACMG Guidelines, 2015. Collection method: clinical testing. Allele origin: germline. Observed: 8 variant alleles.
Comment: BS1, BS2, BP4

Genome-Nilou Lab
Classification: Benign for VPS13A-related neurodegenerative disease. Last evaluated: 2021-06-10. Review status: criteria provided, single submitter. Criteria: ACMG Guidelines, 2015. Collection method: clinical testing. Allele origin: germline. Affected: no.

GeneDx
Classification: Benign. Last evaluated: 2019-05-30. Review status: criteria provided, single submitter. Criteria: GeneDx Variant Classification Process June 2021. Collection method: clinical testing. Allele origin: germline. Affected: yes.
Comment: This variant is associated with the following publications: (PMID: 26870756)

Illumina Laboratory Services, Illumina
Classification: Likely benign for VPS13A-related neurodegenerative disease. Last evaluated: 2018-01-12. Review status: criteria provided, single submitter. Criteria: ICSL Variant Classification Criteria 13 December 2019. Collection method: clinical testing. Allele origin: germline.
Comment: This variant was observed in the ICSL laboratory as part of a predisposition screen in an ostensibly healthy population. It had not been previously curated by ICSL or reported in the Human Gene Mutation Database (HGMD: prior to June 1st, 2018), and was therefore a candidate for classification through an automated scoring system. Utilizing variant allele frequency, disease prevalence and penetrance estimates, and inheritance mode, an automated score was calculated to assess if this variant is too frequent to cause the disease. Based on the score and internal cut-off values, a variant classified as likely benign is not then subjected to further curation. The score for this variant resulted in a classification of likely benign for this disease.

Breakthrough Genomics
Classification: Likely benign. Review status: criteria provided, single submitter. Criteria: ACMG Guidelines, 2015. Collection method: not provided. Allele origin: germline. Inheritance: Autosomal recessive inheritance. Affected: yes.

Natera, Inc.
Classification: Benign for Choreaacanthocytosis. Last evaluated: 2020-01-07. Review status: no assertion criteria provided. Collection method: clinical testing. Allele origin: germline. Not counted in ClinVar's aggregate classification.

Literature cited by the submitters: PubMed 26870756 (cited by Athena Diagnostics).